The following is an entry in ClinVar:

ClinVar aggregate classification (germline): Uncertain significance (1 of 4 stars; one submission).

Allele frequency attached by ClinVar (database versions not stated): ExAC 0.00001.

Submission:

GeneDx
Classification: Uncertain significance. Last evaluated: 2022-06-03. Review status: criteria provided, single submitter. Criteria: GeneDx Variant Classification Process June 2021. Collection method: clinical testing. Allele origin: germline. Affected: yes.
Comment: Not observed at significant frequency in large population cohorts (gnomAD); In silico analysis supports that this missense variant has a deleterious effect on protein structure/function; Has not been previously published as pathogenic or benign to our knowledge

NM_005412.6(SHMT2):c.386T>G (p.Leu129Arg)

Gene: SHMT2 (serine hydroxymethyltransferase 2; plus strand). Cytogenetic location: 12q13.3.
Variant type: single nucleotide variant.
Coding change: c.386T>G on transcript NM_005412.6 (MANE Select); coding-DNA position 386, T replaced by G.
Protein change: p.Leu129Arg; replaces leucine 129 with arginine.
Molecular consequence: missense variant. On other transcripts: non-coding transcript variant (4).
Genome position (GRCh38, 1-based): chr12:57,231,787, T>G. VCF-style: chr12-57231787-T-G. GRCh37 (hg19) VCF-style: chr12-57625570-T-G.
Other names: c.386T>G, p.Leu129Arg (NM_001166356.2); c.323T>G, p.Leu108Arg (NM_001166357.1, NM_001166358.2, NM_001166359.1); short protein forms L108R, L129R.
Identifiers: ClinVar variation 1801912 (VCV001801912.1), dbSNP rs748770680, ClinGen allele CA6646349.